The following is an entry in ClinVar:

ClinVar aggregate classification (germline): Conflicting classifications of pathogenicity. Review status: criteria provided, conflicting classifications (1 of 4 stars). 4 submissions from 4 submitters: Uncertain significance (3); Likely benign (1). Last evaluated 2025-03-19.

Conditions:
Familial cancer of breast. Also called: hereditary breast carcinoma; BREAST CANCER, FAMILIAL; Hereditary breast cancer. Identifiers: Orphanet 227535, MedGen C0346153, MONDO:0016419, OMIM 114480. Disease mechanism: loss of function.
Breast and/or ovarian cancer. Identifiers: MedGen CN221562.
Hereditary cancer-predisposing syndrome. Also called: Tumor predisposition; Neoplastic Syndromes, Hereditary; Hereditary Cancer Syndrome; Hereditary neoplastic syndrome. Identifiers: Orphanet 140162, MedGen C0027672, MeSH D009386, MONDO:0015356.
Ataxia-telangiectasia syndrome (AT). Also called: ATAXIA-TELANGIECTASIA, FRESNO VARIANT; Ataxia-telangiectasia, complementation group D; AT, COMPLEMENTATION GROUP C; Ataxia-telangiectasia; Ataxia-telangiectasia, complementation group E; Ataxia telangiectasia (A-T). Identifiers: Orphanet 100, MedGen C0004135, MONDO:0008840, OMIM 208900.

Allele frequency attached by ClinVar (database versions not stated): gnomAD exomes below 0.00001; ExAC 0.00001.
gnomAD v4.1: 5 of 1,613,834 alleles (0.00031%); highest among the groups gnomAD compares: South Asian, 0.0011%; no homozygotes.

Submissions (4):

Ambry Genetics
Classification: Likely benign for Hereditary cancer-predisposing syndrome. Last evaluated: 2025-03-19. Review status: criteria provided, single submitter. Criteria: Ambry Variant Classification Scheme 2023. Collection method: clinical testing. Allele origin: germline.

Labcorp Genetics (formerly Invitae), Labcorp
Classification: Uncertain significance for Ataxia-telangiectasia syndrome. Last evaluated: 2025-02-04. Review status: criteria provided, single submitter. Criteria: Invitae Variant Classification Sherloc (09022015). Collection method: clinical testing. Allele origin: germline.
Comment: This sequence change replaces leucine, which is neutral and non-polar, with phenylalanine, which is neutral and non-polar, at codon 1115 of the ATM protein (p.Leu1115Phe). The frequency data for this variant in the population databases is considered unreliable, as metrics indicate poor data quality at this position in the gnomAD database. This variant has not been reported in the literature in individuals affected with ATM-related conditions. ClinVar contains an entry for this variant (Variation ID: 1056791). Invitae Evidence Modeling of protein sequence and biophysical properties (such as structural, functional, and spatial information, amino acid conservation, physicochemical variation, residue mobility, and thermodynamic stability) indicates that this missense variant is not expected to disrupt ATM protein function with a negative predictive value of 95%. In summary, the available evidence is currently insufficient to determine the role of this variant in disease. Therefore, it has been classified as a Variant of Uncertain Significance.

Baylor Genetics
Classification: Uncertain significance for Familial cancer of breast. Last evaluated: 2023-08-20. Review status: criteria provided, single submitter. Criteria: ACMG Guidelines, 2015. Collection method: clinical testing. Allele origin: unknown.

CHEO Genetics Diagnostic Laboratory, Children's Hospital of Eastern Ontario
Classification: Uncertain significance for Breast and/or ovarian cancer. Last evaluated: 2021-07-09. Review status: criteria provided, single submitter. Criteria: ACMG Guidelines, 2015. Collection method: clinical testing. Allele origin: germline.

NM_000051.4(ATM):c.3343C>T (p.Leu1115Phe)

Gene: ATM (ATM serine/threonine kinase; plus strand). Cytogenetic location: 11q22.3.
Variant type: single nucleotide variant.
Coding change: c.3343C>T on transcript NM_000051.4 (MANE Select); coding-DNA position 3343, C replaced by T.
Protein change: p.Leu1115Phe; replaces leucine 1115 with phenylalanine.
Molecular consequence: missense variant.
Genome position (GRCh38, 1-based): chr11:108,279,549, C>T. VCF-style: chr11-108279549-C-T. GRCh37 (hg19) VCF-style: chr11-108150276-C-T.
Other names: c.3343C>T, p.Leu1115Phe (NM_001351834.2); short protein forms L1115F.
Identifiers: ClinVar variation 1056791 (VCV001056791.13), dbSNP rs752339681, ClinGen allele CA6265265.